The following is an entry in ClinVar:

ClinVar aggregate classification (germline): Uncertain significance (1 of 4 stars; one submission).

Conditions:
Nephrolithiasis/nephrocalcinosis. Identifiers: MedGen CN580796.

Submission:

Ambry Genetics
Classification: Uncertain significance for Nephrolithiasis/nephrocalcinosis. Last evaluated: 2023-03-26. Review status: criteria provided, single submitter. Criteria: Ambry Variant Classification Scheme 2023. Collection method: clinical testing. Allele origin: germline.
Comment: The p.I695L variant (also known as c.2083A>C), located in coding exon 6 of the CASR gene, results from an A to C substitution at nucleotide position 2083. The isoleucine at codon 695 is replaced by leucine, an amino acid with highly similar properties. This amino acid position is conserved. In addition, the in silico prediction for this alteration is inconclusive. Since supporting evidence is limited at this time, the clinical significance of this alteration remains unclear.

NM_000388.4(CASR):c.2083A>C (p.Ile695Leu)

Gene: CASR (calcium sensing receptor; plus strand). Cytogenetic location: 3q21.1.
Variant type: single nucleotide variant.
Coding change: c.2083A>C on transcript NM_000388.4 (MANE Select); coding-DNA position 2083, A replaced by C.
Protein change: p.Ile695Leu; replaces isoleucine 695 with leucine.
Molecular consequence: missense variant.
Genome position (GRCh38, 1-based): chr3:122,284,037, A>C. VCF-style: chr3-122284037-A-C. GRCh37 (hg19) VCF-style: chr3-122002884-A-C.
Other names: c.2113A>C, p.Ile705Leu (NM_001178065.2); short protein forms I695L, I705L.
Identifiers: ClinVar variation 3231525 (VCV003231525.1), dbSNP rs751692522, ClinGen allele CA354158456.
Genomic context (GRCh38, chr3:122,284,037, plus strand): 5'-TGGACGTGCCGCCTGCGCCAGCCGGCCTTTGGCATCAGCTTCGTGCTCTGCATCTCATGC[A>C]TCCTGGTGAAAACCAACCGTGTCCTCCTGGTGTTTGAGGCCAAGATCCCCACCAGCTTCC-3'
Protein context (NP_000379.3, residues 685-705): GISFVLCISC[Ile695Leu]LVKTNRVLLV